The following is an entry in ClinVar:

NM_000179.3(MSH6):c.1153del (p.Arg385fs)

Gene: MSH6 (mutS homolog 6; plus strand). Cytogenetic location: 2p16.3.
Variant type: Deletion.
Coding change: c.1153del on transcript NM_000179.3 (MANE Select); coding-DNA position 1153, one base deleted (A; older notation c.1153delA).
Protein change: p.Arg385fs; shifts the reading frame from arginine 385.
Molecular consequence: frameshift variant. On other transcripts: non-coding transcript variant (4), intron variant (1).
Genome position (GRCh38, 1-based): chr2:47,799,136, A deleted. VCF-style (leftmost placement, unchanged base first): chr2-47799135-GA-G. GRCh37 (hg19) VCF-style: chr2-48026274-GA-G.
Other names: c.856del, p.Arg286fs (NM_001406828.1, NM_001406830.1, NM_001406827.1 and 10 more transcripts); c.247del, p.Arg83fs (NM_001406829.1, NM_001406811.1, NM_001406812.1 and 6 more transcripts); c.985del, p.Arg329fs (NM_001406826.1); c.628-1530del (NM_001407362.1); c.1153del, p.Arg385fs (NM_001406800.1, NM_001406803.1, NM_001406808.1 and 4 more transcripts); c.1249del, p.Arg417fs (NM_001406802.1, NM_001406795.1); c.1075del, p.Arg359fs (NM_001406804.1); c.628del, p.Arg210fs (NM_001406806.1, NM_001406807.1, NM_001406799.1); and 2 more; short protein forms R210fs, R255fs, R286fs, R329fs, R359fs, R385fs, R387fs, R417fs.
Identifiers: ClinVar variation 2673605 (VCV002673605.4), dbSNP rs2530592980, ClinGen allele CA2695200552.

ClinVar aggregate classification (germline): Pathogenic. Review status: criteria provided, multiple submitters, no conflicts (2 of 4 stars). 2 submissions from 2 submitters: Pathogenic (2). Last evaluated 2023-08-11.

Conditions:
Lynch syndrome 5 (LYNCH5). Also called: Hereditary non-polyposis colorectal cancer, type 5; Colorectal cancer, hereditary nonpolyposis, type 5. Identifiers: Orphanet 144, MedGen C1833477, MONDO:0013710, OMIM 614350. Disease mechanism: loss of function.
Hereditary nonpolyposis colorectal neoplasms. Identifiers: MedGen C0009405, MeSH D003123.

Submissions (2):

Myriad Genetics, Inc.
Classification: Pathogenic for Lynch syndrome 5. Last evaluated: 2023-08-11. Review status: criteria provided, single submitter. Criteria: Myriad Autosomal Dominant, Autosomal Recessive and X-Linked Classification Criteria (2023). Collection method: clinical testing. Allele origin: unknown.
Comment: This variant is considered pathogenic. This variant creates a frameshift predicted to result in premature protein truncation.

Labcorp Genetics (formerly Invitae), Labcorp
Classification: Pathogenic for Hereditary nonpolyposis colorectal neoplasms. Last evaluated: 2023-01-17. Review status: criteria provided, single submitter. Criteria: Invitae Variant Classification Sherloc (09022015). Collection method: clinical testing. Allele origin: germline.
Comment: This sequence change creates a premature translational stop signal (p.Arg385Glyfs*26) in the MSH6 gene. It is expected to result in an absent or disrupted protein product. Loss-of-function variants in MSH6 are known to be pathogenic (PMID: 18269114, 24362816). This variant is not present in population databases (gnomAD no frequency). This variant has not been reported in the literature in individuals affected with MSH6-related conditions. For these reasons, this variant has been classified as Pathogenic.

Literature cited by the submitters: PubMed 18269114 (cited by Labcorp Genetics (formerly Invitae), Labcorp); PubMed 24362816 (cited by Labcorp Genetics (formerly Invitae), Labcorp).